The following is an entry in ClinVar:

ClinVar aggregate classification (germline): Pathogenic (1 of 4 stars; one submission).

Conditions:
Familial cancer of breast. Also called: Hereditary breast cancer; BREAST CANCER, FAMILIAL; hereditary breast carcinoma. Identifiers: Orphanet 227535, MedGen C0346153, MONDO:0016419, OMIM 114480. Disease mechanism: loss of function.

Submission:

Labcorp Genetics (formerly Invitae), Labcorp
Classification: Pathogenic for Familial cancer of breast. Last evaluated: 2023-12-20. Review status: criteria provided, single submitter. Criteria: Invitae Variant Classification Sherloc (09022015). Collection method: clinical testing. Allele origin: germline.
Comment: This sequence change creates a premature translational stop signal (p.Pro338Glnfs*8) in the PALB2 gene. It is expected to result in an absent or disrupted protein product. Loss-of-function variants in PALB2 are known to be pathogenic (PMID: 17200668, 17200671, 17200672, 24136930, 25099575). This variant is not present in population databases (gnomAD no frequency). This premature translational stop signal has been observed in individual(s) with breast cancer (PMID: 32339256). For these reasons, this variant has been classified as Pathogenic.

Literature cited by the submitters: PubMed 17200668; PubMed 17200671; PubMed 17200672; PubMed 24136930; PubMed 25099575; PubMed 32339256.

NM_024675.4(PALB2):c.1013del (p.Pro338fs)

Gene: PALB2 (partner and localizer of BRCA2; minus strand). Cytogenetic location: 16p12.2.
Variant type: Deletion.
Coding change: c.1013del on transcript NM_024675.4 (MANE Select); coding-DNA position 1013, one base deleted (C; older notation c.1013delC).
Protein change: p.Pro338fs; shifts the reading frame from proline 338.
Molecular consequence: frameshift variant. On other transcripts: intron variant (3).
Genome position (GRCh38, 1-based): chr16:23,635,533, G deleted on the plus strand (C on the coding strand, the reverse complement: PALB2 is on the minus strand); the first of 2 consecutive G bases (chr16:23,635,533-23,635,534); deleting either gives the same sequence. VCF-style (leftmost placement, unchanged base first): chr16-23635532-TG-T. GRCh37 (hg19) VCF-style: chr16-23646853-TG-T.
Other names: c.953del, p.Pro318fs (NM_001407296.1); c.1013del, p.Pro338fs (NM_001407297.1, NM_001407298.1, NM_001407299.1 and 3 more transcripts); c.128del, p.Pro43fs (NM_001407304.1, NM_001407305.1, NM_001407306.1 and 5 more transcripts); c.48+5577del (NM_001407314.1); c.-104-5064del (NM_001407313.1, NM_001407312.1); short protein forms P43fs, P318fs, P338fs.
Identifiers: ClinVar variation 2780342 (VCV002780342.3), dbSNP rs2506492295, ClinGen allele CA2695222970.